The following is an entry in ClinVar:

ClinVar aggregate classification (germline): Conflicting classifications of pathogenicity. Review status: criteria provided, conflicting classifications (1 of 4 stars). 2 submissions from 2 submitters: Uncertain significance (1); Likely benign (1). Last evaluated 2023-01-02.

Allele frequency attached by ClinVar (database versions not stated): gnomAD exomes below 0.00001.
gnomAD v4.1: 3 of 1,578,684 alleles (0.00019%); highest among the groups gnomAD compares: Non-Finnish European, 0.00026%; no homozygotes.

Submissions (2):

Blueprint Genetics
Classification: Likely benign. Last evaluated: 2023-01-02. Review status: criteria provided, single submitter. Criteria: ACMG Guidelines, 2015. Collection method: clinical testing. Allele origin: germline.

Labcorp Genetics (formerly Invitae), Labcorp
Classification: Uncertain significance. Last evaluated: 2022-10-17. Review status: criteria provided, single submitter. Criteria: Invitae Variant Classification Sherloc (09022015). Collection method: clinical testing. Allele origin: germline.
Comment: This sequence change falls in intron 7 of the KMT2E gene. It does not directly change the encoded amino acid sequence of the KMT2E protein. It affects a nucleotide within the consensus splice site. This variant is present in population databases (no rsID available, gnomAD 0.002%). This variant has not been reported in the literature in individuals affected with KMT2E-related conditions. Variants that disrupt the consensus splice site are a relatively common cause of aberrant splicing (PMID: 17576681, 9536098). Algorithms developed to predict the effect of sequence changes on RNA splicing suggest that this variant is not likely to affect RNA splicing. In summary, the available evidence is currently insufficient to determine the role of this variant in disease. Therefore, it has been classified as a Variant of Uncertain Significance.

Literature cited by the submitters: PubMed 17576681 (cited by Labcorp Genetics (formerly Invitae), Labcorp); PubMed 9536098 (cited by Labcorp Genetics (formerly Invitae), Labcorp).

NM_182931.3(KMT2E):c.556+3A>G

Gene: KMT2E (lysine methyltransferase 2E (inactive); plus strand). Cytogenetic location: 7q22.3.
Variant type: single nucleotide variant.
Coding change: c.556+3A>G on transcript NM_182931.3 (MANE Select); 3 bases into the intron after coding-DNA position 556, A replaced by G.
Molecular consequence: intron variant.
Genome position (GRCh38, 1-based): chr7:105,073,680, A>G. VCF-style: chr7-105073680-A-G. GRCh37 (hg19) VCF-style: chr7-104714127-A-G.
Other names: c.556+3A>G (NM_018682.4).
Identifiers: ClinVar variation 2067388 (VCV002067388.5), dbSNP rs1236957628, ClinGen allele CA457033586.